The following is an entry in ClinVar:

NM_000051.4(ATM):c.4728del (p.Thr1577fs)

Gene: ATM (ATM serine/threonine kinase; plus strand). Cytogenetic location: 11q22.3.
Variant type: Deletion.
Coding change: c.4728del on transcript NM_000051.4 (MANE Select); coding-DNA position 4728, one base deleted (T; older notation c.4728delT).
Protein change: p.Thr1577fs; shifts the reading frame from threonine 1577.
Molecular consequence: frameshift variant.
Genome position (GRCh38, 1-based): chr11:108,293,429, T deleted; the last of 2 consecutive T bases (chr11:108,293,428-108,293,429); deleting either gives the same sequence. VCF-style (leftmost placement, unchanged base first): chr11-108293427-AT-A. GRCh37 (hg19) VCF-style: chr11-108164154-AT-A.
Other names: c.4728del, p.Thr1577fs (NM_001351834.2); short protein forms T1577fs.
Identifiers: ClinVar variation 2758841 (VCV002758841.3), dbSNP rs2546931758, ClinGen allele CA2697558844.

ClinVar aggregate classification (germline): Pathogenic (1 of 4 stars; one submission).

Conditions:
Ataxia-telangiectasia syndrome (AT). Also called: LOUIS-BAR SYNDROME; AT, COMPLEMENTATION GROUP C; ATAXIA-TELANGIECTASIA, COMPLEMENTATION GROUP A; ATAXIA-TELANGIECTASIA, FRESNO VARIANT; Ataxia-telangiectasia; Cerebello-oculocutaneous telangiectasia. Identifiers: Orphanet 100, MedGen C0004135, MONDO:0008840, OMIM 208900.

Submission:

Labcorp Genetics (formerly Invitae), Labcorp
Classification: Pathogenic for Ataxia-telangiectasia syndrome. Last evaluated: 2023-09-08. Review status: criteria provided, single submitter. Criteria: Invitae Variant Classification Sherloc (09022015). Collection method: clinical testing. Allele origin: germline.
Comment: This sequence change creates a premature translational stop signal (p.Thr1577Leufs*24) in the ATM gene. It is expected to result in an absent or disrupted protein product. Loss-of-function variants in ATM are known to be pathogenic (PMID: 23807571, 25614872). This variant is not present in population databases (gnomAD no frequency). This variant has not been reported in the literature in individuals affected with ATM-related conditions. For these reasons, this variant has been classified as Pathogenic.

Literature cited by the submitters: PubMed 23807571; PubMed 25614872.